The following is an entry in ClinVar:

ClinVar aggregate classification (germline): Conflicting classifications of pathogenicity. Review status: criteria provided, conflicting classifications (1 of 4 stars). 6 submissions from 6 submitters: Uncertain significance (3); Likely benign (1). 2 of the submissions do not count toward it. Last evaluated 2026-02-26.

Conditions:
Alport syndrome. Also called: Hemorrhagic familial nephritis; Hemorrhagic hereditary nephritis; Congenital hereditary hematuria. Identifiers: Orphanet 63, MedGen C1567741, MONDO:0018965.
Autosomal dominant Alport syndrome (ATS3A). Also called: ALPORT SYNDROME 3A, AUTOSOMAL DOMINANT; Alport syndrome dominant type; Renal failure and sensorineural hearing loss. Identifiers: Orphanet 63, Orphanet 88918, MedGen C5882663, MONDO:0007086, OMIM 104200.

Allele frequency attached by ClinVar (database versions not stated): gnomAD exomes 0.00007 and 0.00012; gnomAD 0.00009; TOPMed 0.00009; ExAC 0.00012.
gnomAD v4.1: 121 of 1,613,414 alleles (0.0075%); highest among the groups gnomAD compares: Non-Finnish European, 0.0089%; no homozygotes.

Submissions (6):

Myriad Genetics, Inc.
Classification: Uncertain significance for Alport syndrome. Last evaluated: 2026-02-26. Review status: criteria provided, single submitter. Criteria: Myriad Autosomal Dominant, Autosomal Recessive and X-Linked Classification Criteria (2023). Collection method: clinical testing. Allele origin: unknown.
Comment: NM_000092.4(COL4A4):c.2171G>A(R724H) is a missense variant classified as a variant of uncertain significance in the context of Alport syndrome, COL4A4-related. R724H has been observed in a case with relevant disease (PMID: 40003707). Relevant functional assessments of this variant are not available in the literature. R724H has been observed in referenced population frequency databases. In summary, there is insufficient evidence to classify NM_000092.4(COL4A4):c.2171G>A(R724H) as pathogenic or benign. Please note: this variant was assessed in the context of healthy population screening.

Blueprint Genetics
Classification: Uncertain significance. Last evaluated: 2024-07-05. Review status: criteria provided, single submitter. Criteria: ACMG Guidelines, 2015. Collection method: clinical testing. Allele origin: germline.

Labcorp Genetics (formerly Invitae), Labcorp
Classification: Likely benign. Last evaluated: 2024-05-20. Review status: criteria provided, single submitter. Criteria: Invitae Variant Classification Sherloc (09022015). Collection method: clinical testing. Allele origin: germline.

GeneDx
Classification: Uncertain significance. Last evaluated: 2023-09-14. Review status: criteria provided, single submitter. Criteria: GeneDx Variant Classification Process June 2021. Collection method: clinical testing. Allele origin: germline. Affected: yes.
Comment: In silico analysis supports that this missense variant has a deleterious effect on protein structure/function; Occurs in the triple helical domain at the Y position in the canonical Gly-X-Y repeat; although this variant may have an effect on normal protein folding and function, missense substitution at the Y position is not a common mechanism of disease; Has not been previously published as pathogenic or benign to our knowledge

Natera, Inc.
Classification: Likely benign for Alport syndrome. Last evaluated: 2019-10-28. Review status: no assertion criteria provided. Collection method: clinical testing. Allele origin: germline. Not counted in ClinVar's aggregate classification.

Bioscientia Institut fuer Medizinische Diagnostik GmbH, Sonic Healthcare
Classification: Uncertain significance for Autosomal dominant Alport syndrome. Last evaluated: 2017-09-18. Review status: no assertion criteria provided. Collection method: clinical testing. Allele origin: germline. Affected: yes. Not counted in ClinVar's aggregate classification.

Literature cited by the submitters: PubMed 40003707 (cited by Myriad Genetics, Inc.).

NM_000092.5(COL4A4):c.2171G>A (p.Arg724His)

Gene: COL4A4 (collagen type IV alpha 4 chain; minus strand). Cytogenetic location: 2q36.3.
Variant type: single nucleotide variant.
Coding change: c.2171G>A on transcript NM_000092.5 (MANE Select); coding-DNA position 2171, G replaced by A.
Protein change: p.Arg724His; replaces arginine 724 with histidine.
Molecular consequence: missense variant.
Genome position (GRCh38, 1-based): chr2:227,059,617, C>T on the plus strand (G>A on the coding strand, the complement: COL4A4 is on the minus strand). VCF-style: chr2-227059617-C-T. GRCh37 (hg19) VCF-style: chr2-227924333-C-T.
Other names: short protein forms R724H.
Identifiers: ClinVar variation 423821 (VCV000423821.18), dbSNP rs200146486, ClinGen allele CA2144866.